The following is an entry in ClinVar:

ClinVar aggregate classification (germline): Conflicting classifications of pathogenicity. Review status: criteria provided, conflicting classifications (1 of 4 stars). 2 submissions from 2 submitters: Pathogenic (1); Uncertain significance (1). Last evaluated 2024-10-16.

Conditions:
Early-infantile DEE. Also called: Early infantile epileptic encephalopathy; Ohtahara syndrome; Early infantile epileptic encephalopathy with suppression bursts. Identifiers: Orphanet 1934, MedGen C0393706, MONDO:0800491.
Inborn genetic diseases. Identifiers: MedGen C0950123, MeSH D030342.

Submissions (2):

Labcorp Genetics (formerly Invitae), Labcorp
Classification: Pathogenic for Early-infantile DEE. Last evaluated: 2024-10-16. Review status: criteria provided, single submitter. Criteria: Invitae Variant Classification Sherloc (09022015). Collection method: clinical testing. Allele origin: germline.
Comment: This sequence change replaces lysine, which is basic and polar, with glutamic acid, which is acidic and polar, at codon 1432 of the SCN1A protein (p.Lys1432Glu). This variant is not present in population databases (gnomAD no frequency). This missense change has been observed in individual(s) with clinical features of early infantile epileptic encephalopathy (internal data). In at least one individual the variant was observed to be de novo. ClinVar contains an entry for this variant (Variation ID: 954874). Invitae Evidence Modeling of protein sequence and biophysical properties (such as structural, functional, and spatial information, amino acid conservation, physicochemical variation, residue mobility, and thermodynamic stability) indicates that this missense variant is expected to disrupt SCN1A protein function with a positive predictive value of 95%. This variant disrupts the p.Lys1432 amino acid residue in SCN1A. Other variant(s) that disrupt this residue have been determined to be pathogenic (internal data). This suggests that this residue is clinically significant, and that variants that disrupt this residue are likely to be disease-causing. For these reasons, this variant has been classified as Pathogenic.

Ambry Genetics
Classification: Uncertain significance for Inborn genetic diseases. Last evaluated: 2018-04-24. Review status: criteria provided, single submitter. Criteria: Ambry Variant Classification Scheme 2023. Collection method: clinical testing. Allele origin: germline.
Comment: The p.K1432E variant (also known as c.4294A>G), located in coding exon 22 of the SCN1A gene, results from an A to G substitution at nucleotide position 4294. The lysine at codon 1432 is replaced by glutamic acid, an amino acid with similar properties. Another variant affecting this codon has been detected in a Dravet syndrome cohort (Lee HF et al. Brain Dev., 2015 Jun;37:599-611). This amino acid position is highly conserved in available vertebrate species. In addition, this alteration is predicted to be deleterious by in silico analysis. Since supporting evidence is limited at this time, the clinical significance of this alteration remains unclear.

Literature cited by the submitters: PubMed 25459968 (cited by Ambry Genetics).

NM_001165963.4(SCN1A):c.4294A>G (p.Lys1432Glu)

Genes: SCN1A (sodium voltage-gated channel alpha subunit 1; minus strand), LOC102724058 (uncharacterized LOC102724058; plus strand). Cytogenetic location: 2q24.3.
Variant type: single nucleotide variant.
Coding change: c.4294A>G on transcript NM_001165963.4 (MANE Select); coding-DNA position 4294, A replaced by G.
Protein change: p.Lys1432Glu; replaces lysine 1432 with glutamic acid.
Molecular consequence: missense variant. On other transcripts: non-coding transcript variant (1).
Genome position (GRCh38, 1-based): chr2:165,999,767, T>C on the plus strand (A>G on the coding strand, the complement: SCN1A is on the minus strand). VCF-style: chr2-165999767-T-C. GRCh37 (hg19) VCF-style: chr2-166856277-T-C.
Other names: c.4210A>G, p.Lys1404Glu (NM_001165964.3, NM_001353957.2, NM_001353958.2); c.4294A>G, p.Lys1432Glu (NM_001202435.3, NM_001353948.2); c.4261A>G, p.Lys1421Glu (NM_001353949.2, NM_001353950.2, NM_001353951.2 and 2 more transcripts); c.4258A>G, p.Lys1420Glu (NM_001353954.2, NM_001353955.2); c.4207A>G, p.Lys1403Glu (NM_001353960.2); c.1852A>G, p.Lys618Glu (NM_001353961.2); short protein forms K1403E, K1420E, K1421E, K1432E, K618E, K1404E.
Identifiers: ClinVar variation 954874 (VCV000954874.12), dbSNP rs1553523204, ClinGen allele CA349049625.